The following is an entry in ClinVar:

ClinVar aggregate classification (germline): Pathogenic. Review status: reviewed by expert panel (3 of 4 stars). 2 submissions from 2 submitters: Pathogenic (1). 1 of the submissions does not count toward it. Last evaluated 2016-10-18.

Conditions:
Breast-ovarian cancer, familial, susceptibility to, 2 (BROVCA2). Also called: BRCA2 Hereditary Breast and Ovarian Cancer. Identifiers: Orphanet 145, MedGen C2675520, MONDO:0012933, OMIM 612555. Disease mechanism: loss of function.

Submissions (2):

Evidence-based Network for the Interpretation of Germline Mutant Alleles (ENIGMA)
Classification: Pathogenic for Breast-ovarian cancer, familial, susceptibility to, 2. Last evaluated: 2016-10-18. Review status: reviewed by expert panel. Criteria: ENIGMA BRCA1/2 Classification Criteria (2015). Collection method: curation. Allele origin: germline.
Comment: Variant allele predicted to encode a truncated non-functional protein.

Consortium of Investigators of Modifiers of BRCA1/2 (CIMBA), c/o University of Cambridge
Classification: Pathogenic for Breast-ovarian cancer, familial, susceptibility to, 2. Last evaluated: 2015-10-02. Review status: criteria provided, single submitter. Criteria: CIMBA Mutation Classification guidelines May 2016. Collection method: clinical testing. Allele origin: germline. Not counted in ClinVar's aggregate classification.

NM_000059.4(BRCA2):c.212dup (p.Tyr71Ter)

Gene: BRCA2 (BRCA2 DNA repair associated; plus strand). Cytogenetic location: 13q13.1.
Variant type: Duplication.
Coding change: c.212dup on transcript NM_000059.4 (MANE Select); coding-DNA position 212, one base duplicated (A; older notation c.212dupA).
Protein change: p.Tyr71Ter; replaces tyrosine 71 with a stop codon.
Molecular consequence: nonsense.
Genome position (GRCh38, 1-based): chr13:32,319,221, A duplicated. VCF-style (leftmost placement, unchanged base first): chr13-32319220-T-TA. GRCh37 (hg19) VCF-style: chr13-32893357-T-TA.
Other names: 440insA; short protein forms Y71*.
Identifiers: ClinVar variation 266679 (VCV000266679.5), dbSNP rs886040406, ClinGen allele CA10589014.
Genomic context (GRCh38, chr13:32,319,220, plus strand): 5'-GAACATAAAAACAACAATTACGAACCAAACCTATTTAAAACTCCACAAAGGAAACCATCT[T>TA]ATAATCAGCTGGCTTCAACTCCAATAATATTCAAAGAGCAAGGGCTGACTCTGCCGCTGT-3'